The following is an entry in ClinVar:

ClinVar aggregate classification (germline): Uncertain significance. Review status: criteria provided, multiple submitters, no conflicts (2 of 4 stars). 5 submissions from 5 submitters: Uncertain significance (5). Last evaluated 2025-12-05.

Conditions:
Epilepsy, familial focal, with variable foci 4 (FFEVF4). Identifiers: MedGen C4693694, MONDO:0054776, OMIM 617935.
Inborn genetic diseases. Identifiers: MedGen C0950123, MeSH D030342.

Allele frequency attached by ClinVar (database versions not stated): ExAC 0.00002; gnomAD exomes 0.00002 and 0.00003; gnomAD 0.00003; TOPMed 0.00005; ESP Exome Variant Server 0.00008.

Submissions (5):

Labcorp Genetics (formerly Invitae), Labcorp
Classification: Uncertain significance. Last evaluated: 2025-12-05. Review status: criteria provided, single submitter. Criteria: Invitae Variant Classification Sherloc (09022015). Collection method: clinical testing. Allele origin: germline.
Comment: This sequence change replaces glutamic acid, which is acidic and polar, with lysine, which is basic and polar, at codon 1160 of the SCN3A protein (p.Glu1160Lys). This variant is present in population databases (rs377632429, gnomAD 0.01%). This missense change has been observed in individual(s) with focal epilepsy (PMID: 24157691). This variant is also known as p.E1111K. ClinVar contains an entry for this variant (Variation ID: 240709). Invitae Evidence Modeling of protein sequence and biophysical properties (such as structural, functional, and spatial information, amino acid conservation, physicochemical variation, residue mobility, and thermodynamic stability) has been performed for this missense variant. However, the output from this modeling did not meet the statistical confidence thresholds required to predict the impact of this variant on SCN3A protein function. Experimental studies have shown that this missense change affects SCN3A function (PMID: 24157691). In summary, the available evidence is currently insufficient to determine the role of this variant in disease. Therefore, it has been classified as a Variant of Uncertain Significance.

GeneDx
Classification: Uncertain significance. Last evaluated: 2025-10-10. Review status: criteria provided, single submitter. Criteria: GeneDx Variant Classification Process June 2021. Collection method: clinical testing. Allele origin: germline. Affected: yes.
Comment: Reported previously, as E1111K due to the use of alternative nomenclature, in an individual with focal epilepsy; however, parental test results were not provided (PMID: 24157691); Functional studies demonstrate that E1160K channels exhibit increased persistent current compared to WT channels suggesting impaired inactivation (PMID: 24157691); In silico analysis supports that this missense variant has a deleterious effect on protein structure/function; This variant is associated with the following publications: (PMID: 29466837, 35918039, 24157691)

3billion
Classification: Uncertain significance for Epilepsy, familial focal, with variable foci 4. Last evaluated: 2025-03-12. Review status: criteria provided, single submitter. Criteria: ACMG Guidelines, 2015. Collection method: clinical testing. Allele origin: germline. Affected: yes.

Blueprint Genetics
Classification: Uncertain significance. Last evaluated: 2024-07-16. Review status: criteria provided, single submitter. Criteria: ACMG Guidelines, 2015. Collection method: clinical testing. Allele origin: germline.

Ambry Genetics
Classification: Uncertain significance for Inborn genetic diseases. Last evaluated: 2017-08-24. Review status: criteria provided, single submitter. Criteria: Ambry exome assertion method (8-5-2015). Collection method: clinical testing. Allele origin: germline. Affected: yes. Observed: 1 variant allele.

Literature cited by the submitters: PubMed 24157691 (cited by Labcorp Genetics (formerly Invitae), Labcorp and 3billion).

NM_006922.4(SCN3A):c.3478G>A (p.Glu1160Lys)

Gene: SCN3A (sodium voltage-gated channel alpha subunit 3; minus strand). Cytogenetic location: 2q24.3.
Variant type: single nucleotide variant.
Coding change: c.3478G>A on transcript NM_006922.4 (MANE Select); coding-DNA position 3478, G replaced by A.
Protein change: p.Glu1160Lys; replaces glutamic acid 1160 with lysine.
Molecular consequence: missense variant.
Genome position (GRCh38, 1-based): chr2:165,115,491, C>T on the plus strand (G>A on the coding strand, the complement: SCN3A is on the minus strand). VCF-style: chr2-165115491-C-T. GRCh37 (hg19) VCF-style: chr2-165972001-C-T.
Other names: c.3331G>A, p.Glu1111Lys (NM_001081676.2, NM_001081677.2); short protein forms E1160K, E1111K.
Identifiers: ClinVar variation 240709 (VCV000240709.14), dbSNP rs377632429, ClinGen allele CA1938785.
Genomic context (GRCh38, chr2:165,115,491, plus strand): 5'-TTAATCACATCAGAGCTTGTTTACCTTCAGTAAAACAAGCTTCCGGTTTAAGGTCTTCTT[C>T]GGGTTCAGTTTCAGCTTGTTCACCTTCTCGGGGTAGAACAACATCAACTGTGCTTCCTTC-3'
Protein context (NP_008853.3, residues 1150-1170): REGEQAETEP[Glu1160Lys]EDLKPEACFT